The following is an entry in ClinVar:

NM_001930.4(DHPS):c.38C>T (p.Ala13Val)

Genes: DHPS (deoxyhypusine synthase; minus strand), LOC112543448 (CRISPRi-FlowFISH-validated WDR83OS regulatory elements; plus strand). Cytogenetic location: 19p13.13.
Variant type: single nucleotide variant.
Coding change: c.38C>T on transcript NM_001930.4 (MANE Select); coding-DNA position 38, C replaced by T.
Protein change: p.Ala13Val; replaces alanine 13 with valine.
Molecular consequence: missense variant. On other transcripts: 5 prime UTR variant (1), non-coding transcript variant (3).
Genome position (GRCh38, 1-based): chr19:12,681,729, G>A on the plus strand (C>T on the coding strand, the complement: DHPS is on the minus strand). VCF-style: chr19-12681729-G-A. GRCh37 (hg19) VCF-style: chr19-12792543-G-A.
Other names: c.38C>T, p.Ala13Val (NM_001369691.1, NM_001369692.1, NM_013406.3 and 1 more transcripts); c.-477C>T (NM_001369693.1); short protein forms A13V.
Identifiers: ClinVar variation 1704996 (VCV001704996.2), dbSNP rs2024824350, ClinGen allele CA404283288.

ClinVar aggregate classification (germline): Uncertain significance (1 of 4 stars; one submission).

Allele frequency attached by ClinVar (database versions not stated): gnomAD exomes below 0.00001; TOPMed below 0.00001; gnomAD 0.00001.
gnomAD v4.1: 2 of 1,612,344 alleles (0.00012%); highest among the groups gnomAD compares: Non-Finnish European, 0.00017%; no homozygotes.

Submission:

GeneDx
Classification: Uncertain significance. Last evaluated: 2022-03-08. Review status: criteria provided, single submitter. Criteria: GeneDx Variant Classification Process June 2021. Collection method: clinical testing. Allele origin: germline. Affected: yes.
Comment: Not observed at significant frequency in large population cohorts (gnomAD); In silico analysis supports that this missense variant does not alter protein structure/function; Has not been previously published as pathogenic or benign to our knowledge